The following is an entry in ClinVar:

ClinVar aggregate classification (germline): Uncertain significance (0 of 4 stars; one submission).

Conditions:
NOTCH2-related disorder. Also called: NOTCH2-related condition.

Submission:

PreventionGenetics, part of Exact Sciences
Classification: Uncertain significance for NOTCH2-related condition. Last evaluated: 2024-04-04. Review status: no assertion criteria provided. Collection method: clinical testing. Allele origin: germline.
Comment: The NOTCH2 c.1937T>C variant is predicted to result in the amino acid substitution p.Phe646Ser. To our knowledge, this variant has not been reported in the literature or in a large population database, indicating this variant is rare. At this time, the clinical significance of this variant is uncertain due to the absence of conclusive functional and genetic evidence.

NM_024408.4(NOTCH2):c.1937T>C (p.Phe646Ser)

Gene: NOTCH2 (notch receptor 2; minus strand). Cytogenetic location: 1p12.
Variant type: single nucleotide variant.
Coding change: c.1937T>C on transcript NM_024408.4 (MANE Select); coding-DNA position 1937, T replaced by C.
Protein change: p.Phe646Ser; replaces phenylalanine 646 with serine.
Molecular consequence: missense variant.
Genome position (GRCh38, 1-based): chr1:119,959,481, A>G on the plus strand (T>C on the coding strand, the complement: NOTCH2 is on the minus strand). VCF-style: chr1-119959481-A-G. GRCh37 (hg19) VCF-style: chr1-120502104-A-G.
Other names: c.1937T>C, p.Phe646Ser (NM_001200001.2); short protein forms F646S.
Identifiers: ClinVar variation 3357459 (VCV003357459.1).
Genomic context (GRCh38, chr1:119,959,481, plus strand): 5'-TAGCGATTAATGCCATCCATACAGATTCCATGGATACAAGGGTTACTTGCACAGTCATCA[A>G]AATTAATTTCACAATTAACCCCTGGAAGAGAAAACCCAACGGAAACCATTCAATGTTACC-3'
Protein context (NP_077719.2, residues 636-656): GTSGVNCEIN[Phe646Ser]DDCASNPCIH